The following is an entry in ClinVar:

NM_006593.4(TBR1):c.1623C>A (p.Asp541Glu)

Genes: TBR1 (T-box brain transcription factor 1; plus strand), LOC129935026 (ATAC-STARR-seq lymphoblastoid silent region 12060; plus strand). Cytogenetic location: 2q24.2.
Variant type: single nucleotide variant.
Coding change: c.1623C>A on transcript NM_006593.4 (MANE Select); coding-DNA position 1623, C replaced by A.
Protein change: p.Asp541Glu; replaces aspartic acid 541 with glutamic acid.
Molecular consequence: missense variant.
Genome position (GRCh38, 1-based): chr2:161,423,801, C>A. VCF-style: chr2-161423801-C-A. GRCh37 (hg19) VCF-style: chr2-162280312-C-A.
Other names: short protein forms D541E.
Identifiers: ClinVar variation 4976586 (VCV004976586.1).

ClinVar aggregate classification (germline): Uncertain significance (1 of 4 stars; one submission).

Submission:

GeneDx
Classification: Uncertain significance. Last evaluated: 2026-02-12. Review status: criteria provided, single submitter. Criteria: GeneDx Variant Classification Process June 2021. Collection method: clinical testing. Allele origin: germline.
Comment: Not observed at significant frequency in large population cohorts (gnomAD); In silico analysis suggests that this missense variant does not alter protein structure/function; Has not been previously published as pathogenic or benign to our knowledge